The following is an entry in ClinVar:

NM_032043.3(BRIP1):c.341C>A (p.Pro114Gln)

Gene: BRIP1 (BRCA1 interacting DNA helicase 1; minus strand). Cytogenetic location: 17q23.2.
Variant type: single nucleotide variant.
Coding change: c.341C>A on transcript NM_032043.3 (MANE Select); coding-DNA position 341, C replaced by A.
Protein change: p.Pro114Gln; replaces proline 114 with glutamine.
Molecular consequence: missense variant.
Genome position (GRCh38, 1-based): chr17:61,857,096, G>T on the plus strand (C>A on the coding strand, the complement: BRIP1 is on the minus strand). VCF-style: chr17-61857096-G-T. GRCh37 (hg19) VCF-style: chr17-59934457-G-T.
Other names: short protein forms P114Q.
Identifiers: ClinVar variation 407838 (VCV000407838.12), dbSNP rs876658965, ClinGen allele CA16615836.
Genomic context (GRCh38, chr17:61,857,096, plus strand): 5'-ACCCAGGCAAAATATAAATTACCTTGACAAGTTGATGAAGTGCCATTTCTTTCAGAAGGT[G>T]GTGTGCTTGGATAGTTGAAATGACGTGAAGTTCCTTGGTTCATGTCATTGTTTGTAAAAT-3'
Protein context (NP_114432.2, residues 104-124): TSRHFNYPST[Pro114Gln]PSERNGTSST

ClinVar aggregate classification (germline): Uncertain significance. Review status: criteria provided, multiple submitters, no conflicts (2 of 4 stars). 3 submissions from 3 submitters: Uncertain significance (3). Last evaluated 2025-11-25.

Conditions:
Hereditary cancer-predisposing syndrome. Also called: Hereditary neoplastic syndrome; Neoplastic Syndromes, Hereditary; Tumor predisposition; Hereditary Cancer Syndrome. Identifiers: Orphanet 140162, MedGen C0027672, MeSH D009386, MONDO:0015356.
Familial cancer of breast. Also called: Hereditary breast cancer; hereditary breast carcinoma; BREAST CANCER, FAMILIAL. Identifiers: Orphanet 227535, MedGen C0346153, MONDO:0016419, OMIM 114480. Disease mechanism: loss of function.
Fanconi anemia complementation group J. Also called: BRIP1-Related Fanconi Anemia. Identifiers: Orphanet 84, MedGen C1836860, MONDO:0012187, OMIM 609054.

Allele frequency attached by ClinVar (database versions not stated): gnomAD exomes below 0.00001; TOPMed below 0.00001.
gnomAD v4.1: 1 of 1,614,072 alleles (0.000062%); highest among the groups gnomAD compares: Non-Finnish European, 0.000085%; no homozygotes.

Submissions (3):

Ambry Genetics
Classification: Uncertain significance for Hereditary cancer-predisposing syndrome. Last evaluated: 2025-11-25. Review status: criteria provided, single submitter. Criteria: Ambry Variant Classification Scheme 2023. Collection method: clinical testing. Allele origin: germline.
Comment: The p.P114Q variant (also known as c.341C>A), located in coding exon 3 of the BRIP1 gene, results from a C to A substitution at nucleotide position 341. The proline at codon 114 is replaced by glutamine, an amino acid with similar properties. This amino acid position is well conserved in available vertebrate species. In addition, this alteration is predicted to be tolerated by in silico analysis. Since supporting evidence is limited at this time, the clinical significance of this alteration remains unclear.

Labcorp Genetics (formerly Invitae), Labcorp
Classification: Uncertain significance for Familial cancer of breast; Fanconi anemia complementation group J. Last evaluated: 2024-01-24. Review status: criteria provided, single submitter. Criteria: Invitae Variant Classification Sherloc (09022015). Collection method: clinical testing. Allele origin: germline.
Comment: This sequence change replaces proline, which is neutral and non-polar, with glutamine, which is neutral and polar, at codon 114 of the BRIP1 protein (p.Pro114Gln). This variant is present in population databases (no rsID available, gnomAD 0.0009%). This variant has not been reported in the literature in individuals affected with BRIP1-related conditions. ClinVar contains an entry for this variant (Variation ID: 407838). Advanced modeling of protein sequence and biophysical properties (such as structural, functional, and spatial information, amino acid conservation, physicochemical variation, residue mobility, and thermodynamic stability) performed at Invitae indicates that this missense variant is not expected to disrupt BRIP1 protein function with a negative predictive value of 80%. In summary, the available evidence is currently insufficient to determine the role of this variant in disease. Therefore, it has been classified as a Variant of Uncertain Significance.

Color Diagnostics, LLC DBA Color Health
Classification: Uncertain significance for Hereditary cancer-predisposing syndrome. Last evaluated: 2023-05-30. Review status: criteria provided, single submitter. Criteria: ACMG Guidelines, 2015. Collection method: clinical testing. Allele origin: germline.
Comment: This missense variant replaces proline with glutamine at codon 114 of the BRIP1 protein. Computational prediction suggests that this variant may not impact protein structure and function (internally defined REVEL score threshold <= 0.5, PMID: 27666373). To our knowledge, functional studies have not been reported for this variant. This variant has not been reported in individuals affected with BRIP1-related disorders in the literature. This variant has been identified in 1/251438 chromosomes in the general population by the Genome Aggregation Database (gnomAD). The available evidence is insufficient to determine the role of this variant in disease conclusively. Therefore, this variant is classified as a Variant of Uncertain Significance.